The following is an entry in ClinVar:

ClinVar aggregate classification (germline): Pathogenic (1 of 4 stars; one submission).

Conditions:
Neuronal ceroid lipofuscinosis 7 (CLN7). Also called: MFSD8-Related Neuronal Ceroid-Lipofuscinosis. Identifiers: Orphanet 168491, Orphanet 228366, MedGen C1838571, MONDO:0012588, OMIM 610951.

Submission:

Labcorp Genetics (formerly Invitae), Labcorp
Classification: Pathogenic for Neuronal ceroid lipofuscinosis 7. Last evaluated: 2022-02-04. Review status: criteria provided, single submitter. Criteria: Invitae Variant Classification Sherloc (09022015). Collection method: clinical testing. Allele origin: germline.
Comment: This variant is a gross deletion of the genomic region encompassing exon(s) 2-10 of the MFSD8 gene, which includes the initiator codon. This deletion extends beyond the assayed region for this gene and therefore may encompass additional genes. It is expected to result in an absent or disrupted protein product. Loss-of-function variants in MFSD8 are known to be pathogenic (PMID: 19177532, 25227500, 28586915). This variant has not been reported in the literature in individuals affected with MFSD8-related conditions. For these reasons, this variant has been classified as Pathogenic.

Literature cited by the submitters: PubMed 19177532; PubMed 25227500; PubMed 28586915.

NC_000004.12:g.(?_127930663)_(127965153_?)del

Gene: MFSD8 (major facilitator superfamily domain containing 8; minus strand). Cytogenetic location: 4q28.2.
Variant type: Deletion.
Identifiers: ClinVar variation 831293 (VCV000831293.2).